The following is an entry in ClinVar:

ClinVar aggregate classification (germline): Uncertain significance (1 of 4 stars; one submission).

Allele frequency attached by ClinVar (database versions not stated): TOPMed below 0.00001.

Submission:

GeneDx
Classification: Uncertain significance. Last evaluated: 2022-12-23. Review status: criteria provided, single submitter. Criteria: GeneDx Variant Classification Process June 2021. Collection method: clinical testing. Allele origin: germline. Affected: yes.
Comment: Not observed at significant frequency in large population cohorts (gnomAD); In silico analysis supports that this missense variant has a deleterious effect on protein structure/function; Has not been previously published as pathogenic or benign to our knowledge

NM_013275.6(ANKRD11):c.1066G>A (p.Asp356Asn)

Gene: ANKRD11 (ankyrin repeat domain containing 11; minus strand). Cytogenetic location: 16q24.3.
Variant type: single nucleotide variant.
Coding change: c.1066G>A on transcript NM_013275.6 (MANE Select); coding-DNA position 1066, G replaced by A.
Protein change: p.Asp356Asn; replaces aspartic acid 356 with asparagine.
Molecular consequence: missense variant.
Genome position (GRCh38, 1-based): chr16:89,285,476, C>T on the plus strand (G>A on the coding strand, the complement: ANKRD11 is on the minus strand). VCF-style: chr16-89285476-C-T. GRCh37 (hg19) VCF-style: chr16-89351884-C-T.
Other names: c.1066G>A, p.Asp356Asn (NM_001256182.2, NM_001256183.2); short protein forms D356N.
Identifiers: ClinVar variation 2506608 (VCV002506608.1), dbSNP rs2034585309, ClinGen allele CA397165790.
Genomic context (GRCh38, chr16:89,285,476, plus strand): 5'-TCGTTTCTTTTCTGTAGTCCTTTTTCAATAGGTGCTTGTCGTCCACCGGAGGAACCCTGT[C>T]CTGCTCGTCGTCCTCATCAAACTCATACTCGTCCTTGACGGGGGCCGTGGCCTTCTGTGG-3'
Protein context (NP_037407.4, residues 346-366): EYEFDEDDEQ[Asp356Asn]RVPPVDDKHL